The following is an entry in ClinVar:

NM_017613.4(DONSON):c.752A>G (p.Asp251Gly)

Gene: DONSON (DNA replication fork stabilization factor DONSON; minus strand). Cytogenetic location: 21q22.11.
Variant type: single nucleotide variant.
Coding change: c.752A>G on transcript NM_017613.4 (MANE Select); coding-DNA position 752, A replaced by G.
Protein change: p.Asp251Gly; replaces aspartic acid 251 with glycine.
Molecular consequence: missense variant.
Genome position (GRCh38, 1-based): chr21:33,584,623, T>C on the plus strand (A>G on the coding strand, the complement: DONSON is on the minus strand). VCF-style: chr21-33584623-T-C. GRCh37 (hg19) VCF-style: chr21-34956929-T-C.
Other names: c.752A>G (NM_017613.3); short protein forms D251G.
Identifiers: ClinVar variation 1630560 (VCV001630560.11), dbSNP rs61746119, ClinGen allele CA10010522.

ClinVar aggregate classification (germline): Conflicting classifications of pathogenicity. Review status: criteria provided, conflicting classifications (1 of 4 stars). 4 submissions from 4 submitters: Uncertain significance (1); Benign (2); Likely benign (1). Last evaluated 2026-08-01.

Allele frequency attached by ClinVar (database versions not stated): gnomAD 0.00018 and 0.00062; TOPMed 0.00025; ESP Exome Variant Server 0.00038; gnomAD exomes 0.00077 and 0.00139; ExAC 0.00159; 1000 Genomes Project 30x 0.00437; 1000 Genomes Project 0.00499.
gnomAD v4.1: 1,246 of 1,613,144 alleles (0.077%); highest among the groups gnomAD compares: South Asian, 0.94%; 9 homozygotes.

Submissions (4):

CeGaT Center for Human Genetics Tuebingen
Classification: Likely benign. Last evaluated: 2026-08-01. Review status: criteria provided, single submitter. Criteria: CeGaT Center For Human Genetics Tuebingen Variant Classification Criteria Version 2. Collection method: clinical testing. Allele origin: germline. Affected: yes. Observed: 1 variant allele.
Comment: DONSON: BP4, BS2

Labcorp Genetics (formerly Invitae), Labcorp
Classification: Benign. Last evaluated: 2025-12-23. Review status: criteria provided, single submitter. Criteria: Invitae Variant Classification Sherloc (09022015). Collection method: clinical testing. Allele origin: germline.

GeneDx
Classification: Uncertain significance. Last evaluated: 2025-03-13. Review status: criteria provided, single submitter. Criteria: GeneDx Variant Classification Process June 2021. Collection method: clinical testing. Allele origin: germline. Affected: yes.
Comment: In silico analysis supports that this missense variant has a deleterious effect on protein structure/function; Has not been previously published as pathogenic or benign to our knowledge

Breakthrough Genomics
Classification: Benign. Review status: criteria provided, single submitter. Criteria: ACMG Guidelines, 2015. Collection method: not provided. Allele origin: germline. Inheritance: Autosomal recessive inheritance. Affected: yes.